The following is an entry in ClinVar:

NM_002880.4(RAF1):c.-204G>C

Gene: RAF1 (Raf-1 proto-oncogene, serine/threonine kinase; minus strand). Cytogenetic location: 3p25.2.
Variant type: single nucleotide variant.
Coding change: c.-204G>C on transcript NM_002880.4 (MANE Select); 204 bases upstream of the start codon, G replaced by C.
Molecular consequence: 5 prime UTR variant. On other transcripts: non-coding transcript variant (3).
Genome position (GRCh38, 1-based): chr3:12,663,990, C>G on the plus strand (G>C on the coding strand, the complement: RAF1 is on the minus strand). VCF-style: chr3-12663990-C-G. GRCh37 (hg19) VCF-style: chr3-12705489-C-G.
Other names: c.-204G>C (NM_002880.3, NM_001354689.3, NM_001354693.3); c.-427G>C (NM_001354691.3); c.-334G>C (NM_001354692.3, NM_001354694.3, NM_001354695.3).
Identifiers: ClinVar variation 40576 (VCV000040576.44), dbSNP rs547543588, ClinGen allele CA180843.

ClinVar aggregate classification (germline): Benign. Review status: reviewed by expert panel (3 of 4 stars). 7 submissions from 6 submitters: Benign (1). 6 of the submissions do not count toward it. Last evaluated 2019-11-04.

Conditions:
RASopathy. Also called: rasopathies; Noonan spectrum disorder. Identifiers: Orphanet 536391, MedGen C5555857, MONDO:0021060.
LEOPARD syndrome 2 (LPRD2). Also called: RAF1-Related LEOPARD Syndrome. Identifiers: Orphanet 500, MedGen C1969056, MONDO:0012691, OMIM 611554.
Noonan syndrome 5 (NS5). Also called: RAF1-Related Noonan Syndrome. Identifiers: Orphanet 648, MedGen C1969057, MONDO:0012690, OMIM 611553. Disease mechanism: gain of function.
Dilated cardiomyopathy 1NN. Identifiers: Orphanet 154, MedGen C4014656, MONDO:0014396, OMIM 615916.

Allele frequency attached by ClinVar (database versions not stated): 1000 Genomes Project 30x 0.00031; TOPMed 0.00190.
gnomAD v4.1: 862 of 398,582 alleles (0.22%); highest among the groups gnomAD compares: Non-Finnish European, 0.32%; 4 homozygotes.

Submissions (7):

ClinGen RASopathy Variant Curation Expert Panel
Classification: Benign for RASopathy. Last evaluated: 2019-11-04. Review status: reviewed by expert panel. Criteria: ClinGen RASopathy ACMG Specifications v1. Collection method: curation. Allele origin: germline. Inheritance: Autosomal dominant inheritance.
Comment: The c.-204G>C variant in RAF1 is classified as benign because it has been identified in 0.15126% (95% CI of 32/15402) of non-Finnish European chromosomes in gnomAD (BA1). This variant is not located within the splice consensus sequence and computational splice site prediction tools do not predict an impact on splicing (BP4, BP7). ACMG/AMP Criteria applied: BA1, BP4, BP7.

CeGaT Center for Human Genetics Tuebingen
Classification: Likely benign. Last evaluated: 2023-05-01. Review status: criteria provided, single submitter. Criteria: CeGaT Center For Human Genetics Tuebingen Variant Classification Criteria Version 2. Collection method: clinical testing. Allele origin: germline. Affected: yes. Observed: 5 variant alleles. Not counted in ClinVar's aggregate classification.
Comment: RAF1: BS1

Fulgent Genetics
Classification: Likely benign for Noonan syndrome 5; LEOPARD syndrome 2; Dilated cardiomyopathy 1NN. Last evaluated: 2021-11-11. Review status: criteria provided, single submitter. Criteria: ACMG Guidelines, 2015. Collection method: clinical testing. Allele origin: unknown. Not counted in ClinVar's aggregate classification.

Illumina Laboratory Services, Illumina
Classification: Uncertain significance for Noonan syndrome 5. Last evaluated: 2018-01-12. Review status: criteria provided, single submitter. Criteria: ICSL Variant Classification Criteria 13 December 2019. Collection method: clinical testing. Allele origin: germline. Not counted in ClinVar's aggregate classification.

Illumina Laboratory Services, Illumina
Classification: Uncertain significance for LEOPARD syndrome 2. Last evaluated: 2018-01-12. Review status: criteria provided, single submitter. Criteria: ICSL Variant Classification Criteria 13 December 2019. Collection method: clinical testing. Allele origin: germline. Not counted in ClinVar's aggregate classification.

GeneDx
Classification: Benign. Last evaluated: 2015-03-03. Review status: criteria provided, single submitter. Criteria: GeneDx Variant Classification Process June 2021. Collection method: clinical testing. Allele origin: germline. Affected: yes. Not counted in ClinVar's aggregate classification.

Laboratory for Molecular Medicine, Mass General Brigham Personalized Medicine
Classification: Likely benign. Last evaluated: 2011-03-25. Review status: criteria provided, single submitter. Criteria: LMM Criteria. Collection method: clinical testing. Allele origin: germline. Observed: 9 variant alleles. Not counted in ClinVar's aggregate classification.
Comment: -204G>C in the 5'UTR of RAF1: This variant has been identified in our laboratory in four probands with clinical features of Noonan spectrum disorders. However, this variant was also identified in a parent of three of these individuals who r eportedly do not have clinical features associated with Noonan spectrum disorder s. Furthermore, this variant is located in the 5'UTR and although variants in re gulatory regions could have an effect on transcriptional or translational effici ency, variants of this type have not been reported in Noonan spectrum disorders to date. Therefore, this variant is likely to be benign.